The following is an entry in ClinVar:

NM_001378030.1(CCDC78):c.658G>A (p.Gly220Ser)

Gene: CCDC78 (coiled-coil domain containing 78; minus strand). Cytogenetic location: 16p13.3.
Variant type: single nucleotide variant.
Coding change: c.658G>A on transcript NM_001378030.1 (MANE Select); coding-DNA position 658, G replaced by A.
Protein change: p.Gly220Ser; replaces glycine 220 with serine.
Molecular consequence: missense variant. On other transcripts: non-coding transcript variant (5), intron variant (1).
Genome position (GRCh38, 1-based): chr16:724,788, C>T on the plus strand (G>A on the coding strand, the complement: CCDC78 is on the minus strand). VCF-style: chr16-724788-C-T. GRCh37 (hg19) VCF-style: chr16-774788-C-T.
Other names: c.658G>A, p.Gly220Ser (NM_001031737.3, NM_001378031.1); c.199-279G>A (NM_001378033.1); short protein forms G220S.
Identifiers: ClinVar variation 1010683 (VCV001010683.8), dbSNP rs1374522692, ClinGen allele CA394101618.

ClinVar aggregate classification (germline): Uncertain significance (1 of 4 stars; one submission).

Conditions:
Congenital myopathy with internal nuclei and atypical cores. Also called: Myopathy, centronuclear, 4. Identifiers: Orphanet 319160, MedGen C4707232, MONDO:0013890, OMIM 614807.

Allele frequency attached by ClinVar (database versions not stated): gnomAD exomes below 0.00001 and 0.00002; TOPMed below 0.00001; gnomAD 0.00001.

Submission:

Labcorp Genetics (formerly Invitae), Labcorp
Classification: Uncertain significance for Congenital myopathy with internal nuclei and atypical cores. Last evaluated: 2025-02-20. Review status: criteria provided, single submitter. Criteria: Invitae Variant Classification Sherloc (09022015). Collection method: clinical testing. Allele origin: germline.
Comment: This sequence change replaces glycine, which is neutral and non-polar, with serine, which is neutral and polar, at codon 220 of the CCDC78 protein (p.Gly220Ser). The frequency data for this variant in the population databases is considered unreliable, as metrics indicate poor data quality at this position in the gnomAD database. This variant has not been reported in the literature in individuals affected with CCDC78-related conditions. ClinVar contains an entry for this variant (Variation ID: 1010683). Invitae Evidence Modeling of protein sequence and biophysical properties (such as structural, functional, and spatial information, amino acid conservation, physicochemical variation, residue mobility, and thermodynamic stability) indicates that this missense variant is not expected to disrupt CCDC78 protein function with a negative predictive value of 80%. In summary, the available evidence is currently insufficient to determine the role of this variant in disease. Therefore, it has been classified as a Variant of Uncertain Significance.